The following is an entry in ClinVar:

ClinVar aggregate classification (germline): Uncertain significance (1 of 4 stars; one submission).

Allele frequency attached by ClinVar (database versions not stated): gnomAD exomes below 0.00001; ExAC 0.00001.

Submission:

Labcorp Genetics (formerly Invitae), Labcorp
Classification: Uncertain significance. Last evaluated: 2022-10-28. Review status: criteria provided, single submitter. Criteria: Invitae Variant Classification Sherloc (09022015). Collection method: clinical testing. Allele origin: germline.
Comment: In summary, the available evidence is currently insufficient to determine the role of this variant in disease. Therefore, it has been classified as a Variant of Uncertain Significance. Advanced modeling of protein sequence and biophysical properties (such as structural, functional, and spatial information, amino acid conservation, physicochemical variation, residue mobility, and thermodynamic stability) performed at Invitae indicates that this missense variant is expected to disrupt WDR73 protein function. This variant has not been reported in the literature in individuals affected with WDR73-related conditions. This variant is present in population databases (rs767035803, gnomAD 0.003%). This sequence change replaces serine, which is neutral and polar, with cysteine, which is neutral and slightly polar, at codon 165 of the WDR73 protein (p.Ser165Cys).

NM_032856.5(WDR73):c.494C>G (p.Ser165Cys)

Gene: WDR73 (WD repeat domain 73; minus strand). Cytogenetic location: 15q25.2.
Variant type: single nucleotide variant.
Coding change: c.494C>G on transcript NM_032856.5 (MANE Select); coding-DNA position 494, C replaced by G.
Protein change: p.Ser165Cys; replaces serine 165 with cysteine.
Molecular consequence: missense variant. On other transcripts: non-coding transcript variant (4).
Genome position (GRCh38, 1-based): chr15:84,646,207, G>C on the plus strand (C>G on the coding strand, the complement: WDR73 is on the minus strand). VCF-style: chr15-84646207-G-C. GRCh37 (hg19) VCF-style: chr15-85189438-G-C.
Other names: short protein forms S165C.
Identifiers: ClinVar variation 2090902 (VCV002090902.4), dbSNP rs767035803, ClinGen allele CA7707381.